The following is an entry in ClinVar:

ClinVar aggregate classification (germline): Likely benign. Review status: criteria provided, multiple submitters, no conflicts (2 of 4 stars). 6 submissions from 6 submitters: Likely benign (4). 2 of the submissions do not count toward it. Last evaluated 2024-11-21.

Conditions:
Hereditary breast ovarian cancer syndrome. Also called: Hereditary breast and ovarian cancer; BRCA1- and BRCA2-Associated Hereditary Breast and Ovarian Cancer; Hereditary breast and/or ovarian cancer syndrome; Hereditary breast and ovarian cancer syndrome; Hereditary breast and ovarian cancer syndrome (HBOC); Breast and ovarian cancer. Identifiers: Orphanet 145, MedGen C0677776, MeSH D061325, MONDO:0003582. Disease mechanism: loss of function.

Allele frequency attached by ClinVar (database versions not stated): 1000 Genomes Project 0.00100; 1000 Genomes Project 30x 0.00109; ExAC 0.00189; gnomAD 0.00205 and 0.00212; TOPMed 0.00214; gnomAD exomes 0.00219 and 0.00248; ESP Exome Variant Server 0.00308.
gnomAD v4.1: 3,904 of 1,607,300 alleles (0.24%); highest among the groups gnomAD compares: Admixed American, 0.33%; 7 homozygotes.

Submissions (6):

Blueprint Genetics
Classification: Likely benign. Last evaluated: 2024-11-21. Review status: criteria provided, single submitter. Criteria: ACMG Guidelines, 2015. Collection method: clinical testing. Allele origin: germline.

Genetic Services Laboratory, University of Chicago
Classification: Likely benign. Last evaluated: 2021-07-27. Review status: criteria provided, single submitter. Criteria: ACMG Guidelines, 2015. Collection method: clinical testing. Allele origin: germline. Affected: no.

Genomic Research Center, Shahid Beheshti University of Medical Sciences
Classification: Likely benign for Hereditary breast and ovarian cancer syndrome. Last evaluated: 2020-05-03. Review status: criteria provided, single submitter. Criteria: ACMG Guidelines, 2015. Collection method: clinical testing. Allele origin: unknown. Affected: yes.

Breakthrough Genomics
Classification: Likely benign. Review status: criteria provided, single submitter. Criteria: ACMG Guidelines, 2015. Collection method: not provided. Allele origin: germline. Inheritance: Unknown mechanism. Affected: yes.

ITMI
No classification provided. Condition: AllHighlyPenetrant. Last evaluated: 2013-09-19. Review status: no classification provided. Collection method: reference population. Allele origin: germline. Not counted in ClinVar's aggregate classification.
Comment: Please see associated publication for description of ethnicities

Department of Pathology and Laboratory Medicine, Sinai Health System
Classification: Likely benign. Review status: no assertion criteria provided. Collection method: clinical testing. Allele origin: unknown. Affected: yes. Study: The Canadian Open Genetics Repository (COGR). Not counted in ClinVar's aggregate classification.
Comment: The PMS1 p.Glu361Lys variant was not identified in the literature nor was it identified in Cosmic or LOVD 3.0. The variant was identified in dbSNP (ID: rs151325573) and ClinVar (classified as a VUS by Illumina and Genomic Research Center, Shahid Beheshti University of Medical Sciences for Lynch Syndrome). The variant was identified in control databases in 596 of 280400 chromosomes (3 homozygous) at a frequency of 0.002126 increasing the likelihood this could be a low frequency benign variant (Genome Aggregation Database Feb 27, 2017). The variant was observed in the following populations: Ashkenazi Jewish in 101 of 10314 chromosomes (freq: 0.009793), Latino in 103 of 35214 chromosomes (freq: 0.002925), European (non-Finnish) in 354 of 128070 chromosomes (freq: 0.002764), Other in 18 of 7128 chromosomes (freq: 0.002525), African in 13 of 24308 chromosomes (freq: 0.000535), South Asian in 6 of 30404 chromosomes (freq: 0.000197) and European (Finnish) in 1 of 25054 chromosomes (freq: 0.00004); it was not observed in the East Asian population. The variant occurs outside of the splicing consensus sequence and in silico or computational prediction software programs (SpliceSiteFinder, MaxEntScan, NNSPLICE, GeneSplicer) do not predict a difference in splicing. The p.Glu361 residue is not conserved in mammals and four out of five computational analyses (SIFT, AlignGVGD, BLOSUM, MutationTaster) do not suggest a high likelihood of impact to the protein; however, this information is not predictive enough to rule out pathogenicity. In summary, based on the above information the clinical significance of this variant cannot be determined with certainty at this time although we would lean towards a more benign role for this variant. This variant is classified as likely benign.

Literature cited by the submitters: PubMed 24728327 (cited by ITMI).

NM_000534.5(PMS1):c.1609G>A (p.Glu537Lys)

Gene: PMS1 (PMS1 homolog 1, mismatch repair system component; plus strand). Cytogenetic location: 2q32.2.
Variant type: single nucleotide variant.
Coding change: c.1609G>A on transcript NM_000534.5 (MANE Select); coding-DNA position 1609, G replaced by A.
Protein change: p.Glu537Lys; replaces glutamic acid 537 with lysine.
Molecular consequence: missense variant. On other transcripts: non-coding transcript variant (1).
Genome position (GRCh38, 1-based): chr2:189,854,881, G>A. VCF-style: chr2-189854881-G-A. GRCh37 (hg19) VCF-style: chr2-190719607-G-A.
Other names: c.1492G>A, p.Glu498Lys (NM_001128143.2, NM_001321044.2); c.1609G>A, p.Glu537Lys (NM_001128144.2, NM_001321045.2, NM_001321047.2 and 1 more transcripts); c.1081G>A, p.Glu361Lys (NM_001289408.2, NM_001289409.2); c.1426G>A, p.Glu476Lys (NM_001321046.2); short protein forms E537K, E361K, E476K, E498K.
Identifiers: ClinVar variation 135055 (VCV000135055.11), dbSNP rs151325573, ClinGen allele CA161537.